The following is an entry in ClinVar:

NM_002473.6(MYH9):c.2600G>A (p.Arg867Lys)

Gene: MYH9 (myosin heavy chain 9; minus strand). Cytogenetic location: 22q12.3.
Variant type: single nucleotide variant.
Coding change: c.2600G>A on transcript NM_002473.6 (MANE Select); coding-DNA position 2600, G replaced by A.
Protein change: p.Arg867Lys; replaces arginine 867 with lysine.
Molecular consequence: missense variant.
Genome position (GRCh38, 1-based): chr22:36,301,565, C>T on the plus strand (G>A on the coding strand, the complement: MYH9 is on the minus strand). VCF-style: chr22-36301565-C-T. GRCh37 (hg19) VCF-style: chr22-36697611-C-T.
Other names: short protein forms R867K.
Identifiers: ClinVar variation 3701067 (VCV003701067.2).

ClinVar aggregate classification (germline): Uncertain significance (1 of 4 stars; one submission).

gnomAD v4.1: 6 of 1,613,900 alleles (0.00037%); highest among the groups gnomAD compares: Non-Finnish European, 0.00051%; no homozygotes.

Submission:

Labcorp Genetics (formerly Invitae), Labcorp
Classification: Uncertain significance. Last evaluated: 2025-01-11. Review status: criteria provided, single submitter. Criteria: Invitae Variant Classification Sherloc (09022015). Collection method: clinical testing. Allele origin: germline.
Comment: This sequence change replaces arginine, which is basic and polar, with lysine, which is basic and polar, at codon 867 of the MYH9 protein (p.Arg867Lys). This variant is not present in population databases (gnomAD no frequency). This variant has not been reported in the literature in individuals affected with MYH9-related conditions. Invitae Evidence Modeling of protein sequence and biophysical properties (such as structural, functional, and spatial information, amino acid conservation, physicochemical variation, residue mobility, and thermodynamic stability) indicates that this missense variant is not expected to disrupt MYH9 protein function with a negative predictive value of 95%. In summary, the available evidence is currently insufficient to determine the role of this variant in disease. Therefore, it has been classified as a Variant of Uncertain Significance.